The following is an entry in ClinVar:

NM_053025.4(MYLK):c.648G>T (p.Gln216His)

Gene: MYLK (myosin light chain kinase; minus strand). Cytogenetic location: 3q21.1.
Variant type: single nucleotide variant.
Coding change: c.648G>T on transcript NM_053025.4 (MANE Select); coding-DNA position 648, G replaced by T.
Protein change: p.Gln216His; replaces glutamine 216 with histidine.
Molecular consequence: missense variant.
Genome position (GRCh38, 1-based): chr3:123,737,484, C>A on the plus strand (G>T on the coding strand, the complement: MYLK is on the minus strand). VCF-style: chr3-123737484-C-A. GRCh37 (hg19) VCF-style: chr3-123456331-C-A.
Other names: c.120G>T, p.Gln40His (NM_001321309.2); c.648G>T, p.Gln216His (NM_053026.4, NM_053027.4, NM_053028.4); short protein forms Q40H, Q216H.
Identifiers: ClinVar variation 915655 (VCV000915655.10), dbSNP rs753350784, ClinGen allele CA073415.

ClinVar aggregate classification (germline): Uncertain significance. Review status: criteria provided, multiple submitters, no conflicts (2 of 4 stars). 4 submissions from 4 submitters: Uncertain significance (4). Last evaluated 2024-02-01.

Conditions:
Aortic aneurysm, familial thoracic 7 (AAT7). Also called: AORTIC DISSECTION, FAMILIAL, WITH OR WITHOUT AORTIC ANEURYSM. Identifiers: MedGen C3151077, MONDO:0013418, OMIM 613780.
Megacystis-microcolon-intestinal hypoperistalsis syndrome 1. Identifiers: MedGen C5542316, MONDO:0100354, OMIM 249210.
Familial thoracic aortic aneurysm and aortic dissection (TAAD). Also called: Thoracic aortic aneurysms and dissections. Identifiers: Orphanet 91387, MedGen C4707243, MONDO:0019625.

Allele frequency attached by ClinVar (database versions not stated): ExAC 0.00002; gnomAD exomes 0.00002.
gnomAD v4.1: 1 of 1,614,206 alleles (0.000062%); highest among the groups gnomAD compares: East Asian, 0.0022%; no homozygotes.

Submissions (4):

Fulgent Genetics
Classification: Uncertain significance for Megacystis-microcolon-intestinal hypoperistalsis syndrome 1; Aortic aneurysm, familial thoracic 7. Last evaluated: 2024-02-01. Review status: criteria provided, single submitter. Criteria: ACMG Guidelines, 2015. Collection method: clinical testing. Allele origin: germline.

Ambry Genetics
Classification: Uncertain significance for Familial thoracic aortic aneurysm and aortic dissection. Last evaluated: 2023-03-16. Review status: criteria provided, single submitter. Criteria: Ambry Variant Classification Scheme 2023. Collection method: clinical testing. Allele origin: germline.
Comment: The p.Q216H variant (also known as c.648G>T), located in coding exon 5 of the MYLK gene, results from a G to T substitution at nucleotide position 648. The glutamine at codon 216 is replaced by histidine, an amino acid with highly similar properties. This amino acid position is conserved. In addition, this alteration is predicted to be tolerated by in silico analysis. Since supporting evidence is limited at this time, the clinical significance of this alteration remains unclear.

Labcorp Genetics (formerly Invitae), Labcorp
Classification: Uncertain significance for Aortic aneurysm, familial thoracic 7. Last evaluated: 2022-10-14. Review status: criteria provided, single submitter. Criteria: Invitae Variant Classification Sherloc (09022015). Collection method: clinical testing. Allele origin: germline.
Comment: This sequence change replaces glutamine, which is neutral and polar, with histidine, which is basic and polar, at codon 216 of the MYLK protein (p.Gln216His). This variant is present in population databases (rs753350784, gnomAD 0.02%). This variant has not been reported in the literature in individuals affected with MYLK-related conditions. ClinVar contains an entry for this variant (Variation ID: 915655). Advanced modeling of protein sequence and biophysical properties (such as structural, functional, and spatial information, amino acid conservation, physicochemical variation, residue mobility, and thermodynamic stability) performed at Invitae indicates that this missense variant is not expected to disrupt MYLK protein function. In summary, the available evidence is currently insufficient to determine the role of this variant in disease. Therefore, it has been classified as a Variant of Uncertain Significance.

CHEO Genetics Diagnostic Laboratory, Children's Hospital of Eastern Ontario
Classification: Uncertain significance for Familial thoracic aortic aneurysm and aortic dissection. Last evaluated: 2019-08-20. Review status: criteria provided, single submitter. Criteria: ACMG Guidelines, 2015. Collection method: clinical testing. Allele origin: germline.